The following is an entry in ClinVar:

NM_002439.5(MSH3):c.1154A>G (p.Asn385Ser)

Gene: MSH3 (mutS homolog 3; plus strand). Cytogenetic location: 5q14.1.
Variant type: single nucleotide variant.
Coding change: c.1154A>G on transcript NM_002439.5 (MANE Select); coding-DNA position 1154, A replaced by G.
Protein change: p.Asn385Ser; replaces asparagine 385 with serine.
Molecular consequence: missense variant.
Genome position (GRCh38, 1-based): chr5:80,675,109, A>G. VCF-style: chr5-80675109-A-G. GRCh37 (hg19) VCF-style: chr5-79970928-A-G.
Other names: c.1154A>G (NM_002439.3); short protein forms N385S.
Identifiers: ClinVar variation 861175 (VCV000861175.8), dbSNP rs1362828312, ClinGen allele CA360268352.
Genomic context (GRCh38, chr5:80,675,109, plus strand): 5'-CCAGCTATCTTCTGTGCATCTCTGAAAATAAGGAAAATGTTAGGGACAAAAAAAAGGGCA[A>G]CATTTTTATTGGCATTGTGGTAAGTACTTTGCAGGTGAGGAACAAATGTTAGATGTTCAT-3'
Protein context (NP_002430.3, residues 375-395): KENVRDKKKG[Asn385Ser]IFIGIVGVQP

ClinVar aggregate classification (germline): Uncertain significance. Review status: criteria provided, multiple submitters, no conflicts (2 of 4 stars). 2 submissions from 2 submitters: Uncertain significance (2). Last evaluated 2024-09-03.

Conditions:
Hereditary cancer-predisposing syndrome. Also called: Tumor predisposition; Hereditary neoplastic syndrome; Neoplastic Syndromes, Hereditary; Hereditary Cancer Syndrome. Identifiers: Orphanet 140162, MedGen C0027672, MeSH D009386, MONDO:0015356.

Allele frequency attached by ClinVar (database versions not stated): gnomAD 0.00001.
gnomAD v4.1: 2 of 1,613,716 alleles (0.00012%); highest among the groups gnomAD compares: Non-Finnish European, 0.00017%; no homozygotes.

Submissions (2):

Labcorp Genetics (formerly Invitae), Labcorp
Classification: Uncertain significance. Last evaluated: 2024-09-03. Review status: criteria provided, single submitter. Criteria: Invitae Variant Classification Sherloc (09022015). Collection method: clinical testing. Allele origin: germline.
Comment: This sequence change replaces asparagine, which is neutral and polar, with serine, which is neutral and polar, at codon 385 of the MSH3 protein (p.Asn385Ser). This variant is present in population databases (no rsID available, gnomAD 0.0009%). This variant has not been reported in the literature in individuals affected with MSH3-related conditions. ClinVar contains an entry for this variant (Variation ID: 861175). An algorithm developed to predict the effect of missense changes on protein structure and function outputs the following: PolyPhen-2: "Benign". The serine amino acid residue is found in multiple mammalian species, which suggests that this missense change does not adversely affect protein function. In summary, the available evidence is currently insufficient to determine the role of this variant in disease. Therefore, it has been classified as a Variant of Uncertain Significance.

Ambry Genetics
Classification: Uncertain significance for Hereditary cancer-predisposing syndrome. Last evaluated: 2024-04-27. Review status: criteria provided, single submitter. Criteria: Ambry Variant Classification Scheme 2023. Collection method: clinical testing. Allele origin: germline.
Comment: The p.N385S variant (also known as c.1154A>G), located in coding exon 7 of the MSH3 gene, results from an A to G substitution at nucleotide position 1154. The asparagine at codon 385 is replaced by serine, an amino acid with highly similar properties. This amino acid position is conserved. In addition, this alteration is predicted to be tolerated by in silico analysis. Based on the available evidence, the clinical significance of this variant remains unclear.